The following is an entry in ClinVar:

NM_005045.4(RELN):c.6826A>G (p.Ile2276Val)

Gene: RELN (reelin; minus strand). Cytogenetic location: 7q22.1.
Variant type: single nucleotide variant.
Coding change: c.6826A>G on transcript NM_005045.4 (MANE Select); coding-DNA position 6826, A replaced by G.
Protein change: p.Ile2276Val; replaces isoleucine 2276 with valine.
Molecular consequence: missense variant.
Genome position (GRCh38, 1-based): chr7:103,540,301, T>C on the plus strand (A>G on the coding strand, the complement: RELN is on the minus strand). VCF-style: chr7-103540301-T-C. GRCh37 (hg19) VCF-style: chr7-103180748-T-C.
Other names: c.6826A>G, p.Ile2276Val (NM_173054.3); short protein forms I2276V.
Identifiers: ClinVar variation 2940134 (VCV002940134.3), dbSNP rs2484788237, ClinGen allele CA368769867.

ClinVar aggregate classification (germline): Uncertain significance (1 of 4 stars; one submission).

Conditions:
Norman-Roberts syndrome (LIS2). Also called: Lissencephaly 2 (Norman-Roberts type). Identifiers: Orphanet 89844, MedGen C0796089, MONDO:0009760, OMIM 257320.
Familial temporal lobe epilepsy 7. Identifiers: Orphanet 101046, MedGen C4225327, MONDO:0014639, OMIM 616436.

Submission:

Labcorp Genetics (formerly Invitae), Labcorp
Classification: Uncertain significance for Familial temporal lobe epilepsy 7; Norman-Roberts syndrome. Last evaluated: 2023-09-29. Review status: criteria provided, single submitter. Criteria: Invitae Variant Classification Sherloc (09022015). Collection method: clinical testing. Allele origin: germline.
Comment: In summary, the available evidence is currently insufficient to determine the role of this variant in disease. Therefore, it has been classified as a Variant of Uncertain Significance. Algorithms developed to predict the effect of sequence changes on RNA splicing suggest that this variant may create or strengthen a splice site. Advanced modeling of protein sequence and biophysical properties (such as structural, functional, and spatial information, amino acid conservation, physicochemical variation, residue mobility, and thermodynamic stability) performed at Invitae indicates that this missense variant is not expected to disrupt RELN protein function. This variant has not been reported in the literature in individuals affected with RELN-related conditions. This variant is not present in population databases (gnomAD no frequency). This sequence change replaces isoleucine, which is neutral and non-polar, with valine, which is neutral and non-polar, at codon 2276 of the RELN protein (p.Ile2276Val).